The following is an entry in ClinVar:

ClinVar aggregate classification (germline): Uncertain significance. Review status: criteria provided, multiple submitters, no conflicts (2 of 4 stars). 2 submissions from 2 submitters: Uncertain significance (2). Last evaluated 2024-08-31.

Conditions:
Dilated cardiomyopathy 1DD (CMD1DD). Identifiers: Orphanet 154, MedGen C2750995, MONDO:0013168, OMIM 613172.
Cardiovascular phenotype. Identifiers: MedGen CN230736.

Allele frequency attached by ClinVar (database versions not stated): gnomAD exomes below 0.00001.
gnomAD v4.1: 3 of 1,551,850 alleles (0.00019%); highest among the groups gnomAD compares: South Asian, 0.0024%; no homozygotes.

Submissions (2):

Labcorp Genetics (formerly Invitae), Labcorp
Classification: Uncertain significance for Dilated cardiomyopathy 1DD. Last evaluated: 2024-08-31. Review status: criteria provided, single submitter. Criteria: Invitae Variant Classification Sherloc (09022015). Collection method: clinical testing. Allele origin: germline.
Comment: This sequence change replaces valine, which is neutral and non-polar, with phenylalanine, which is neutral and non-polar, at codon 152 of the RBM20 protein (p.Val152Phe). This variant is not present in population databases (gnomAD no frequency). This variant has not been reported in the literature in individuals affected with RBM20-related conditions. Invitae Evidence Modeling of protein sequence and biophysical properties (such as structural, functional, and spatial information, amino acid conservation, physicochemical variation, residue mobility, and thermodynamic stability) indicates that this missense variant is not expected to disrupt RBM20 protein function with a negative predictive value of 95%. In summary, the available evidence is currently insufficient to determine the role of this variant in disease. Therefore, it has been classified as a Variant of Uncertain Significance.

Ambry Genetics
Classification: Uncertain significance for Cardiovascular phenotype. Last evaluated: 2024-08-28. Review status: criteria provided, single submitter. Criteria: Ambry Variant Classification Scheme 2023. Collection method: clinical testing. Allele origin: germline.
Comment: The p.V152F variant (also known as c.454G>T), located in coding exon 2 of the RBM20 gene, results from a G to T substitution at nucleotide position 454. The valine at codon 152 is replaced by phenylalanine, an amino acid with highly similar properties. This amino acid position is conserved. In addition, the in silico prediction for this alteration is inconclusive. Based on the available evidence, the clinical significance of this variant remains unclear.

NM_001134363.3(RBM20):c.454G>T (p.Val152Phe)

Gene: RBM20 (RNA binding motif protein 20; plus strand). Cytogenetic location: 10q25.2.
Variant type: single nucleotide variant.
Coding change: c.454G>T on transcript NM_001134363.3 (MANE Select); coding-DNA position 454, G replaced by T.
Protein change: p.Val152Phe; replaces valine 152 with phenylalanine.
Molecular consequence: missense variant.
Genome position (GRCh38, 1-based): chr10:110,781,063, G>T. VCF-style: chr10-110781063-G-T. GRCh37 (hg19) VCF-style: chr10-112540821-G-T.
Other names: short protein forms V152F.
Identifiers: ClinVar variation 3005368 (VCV003005368.4), dbSNP rs2493410072, ClinGen allele CA378380425.